The following is an entry in ClinVar:

ClinVar aggregate classification (germline): Pathogenic/Likely pathogenic. Review status: criteria provided, multiple submitters, no conflicts (2 of 4 stars). 7 submissions from 7 submitters: Pathogenic (2); Likely pathogenic (5). Last evaluated 2024-03-29.

Conditions:
Tyrosinase-positive oculocutaneous albinism (OCA2). Also called: ALBINISM II; Oculocutaneous albinism type 2; Albinism, oculocutaneous, type II. Identifiers: Orphanet 79432, MedGen C0268495, MONDO:0008746, OMIM 203200.
SKIN/HAIR/EYE PIGMENTATION 1, BLUE/NONBLUE EYES (SHEP1). Also called: BROWN EYE COLOR 2; EYE COLOR 3; EYE COLOR, BLUE/NONBLUE; EYE COLOR, BROWN/BLUE; HAIR COLOR 3; SKIN/HAIR/EYE PIGMENTATION 1, BLOND/BROWN HAIR. Identifiers: MedGen C1856895, OMIM 227220.
OCA2-related disorder. Also called: OCA2-related condition.

Submissions (7):

Genomic Medicine Center of Excellence, King Faisal Specialist Hospital and Research Centre
Classification: Likely pathogenic for Tyrosinase-positive oculocutaneous albinism. Last evaluated: 2024-03-29. Review status: criteria provided, single submitter. Criteria: ACMG Guidelines, 2015. Collection method: clinical testing. Allele origin: germline.

Institute of Human Genetics, University of Leipzig Medical Center
Classification: Pathogenic for Tyrosinase-positive oculocutaneous albinism. Last evaluated: 2024-02-13. Review status: criteria provided, single submitter. Criteria: ACMG Guidelines, 2015. Collection method: clinical testing. Allele origin: unknown. Inheritance: Autosomal recessive inheritance. Affected: yes.
Comment: Criteria applied: PVS1,PM2_SUP,PM3_SUP

Molecular Diagnostics Laboratory, M Health Fairview: University of Minnesota
Classification: Likely pathogenic for Tyrosinase-positive oculocutaneous albinism. Last evaluated: 2023-11-16. Review status: criteria provided, single submitter. Criteria: ACMG Guidelines, 2015. Collection method: clinical testing. Allele origin: germline. Affected: yes.

Labcorp Genetics (formerly Invitae), Labcorp
Classification: Pathogenic. Last evaluated: 2023-09-08. Review status: criteria provided, single submitter. Criteria: Invitae Variant Classification Sherloc (09022015). Collection method: clinical testing. Allele origin: germline.
Comment: This sequence change creates a premature translational stop signal (p.Ser59Argfs*33) in the OCA2 gene. It is expected to result in an absent or disrupted protein product. Loss-of-function variants in OCA2 are known to be pathogenic (PMID: 19865097, 21541274). This variant is not present in population databases (gnomAD no frequency). This variant has not been reported in the literature in individuals affected with OCA2-related conditions. For these reasons, this variant has been classified as Pathogenic.

Baylor Genetics
Classification: Likely pathogenic for SKIN/HAIR/EYE PIGMENTATION 1, BLUE/NONBLUE EYES. Last evaluated: 2023-08-08. Review status: criteria provided, single submitter. Criteria: ACMG Guidelines, 2015. Collection method: clinical testing. Allele origin: unknown.

Pittsburgh Clinical Genomics Laboratory, University of Pittsburgh Medical Center
Classification: Likely pathogenic for Tyrosinase-positive oculocutaneous albinism. Last evaluated: 2023-03-30. Review status: criteria provided, single submitter. Criteria: ACMG Guidelines, 2015. Collection method: clinical testing. Allele origin: germline. Inheritance: Autosomal recessive inheritance. Affected: yes.
Comment: This sequence variant is a 4-nucleotide duplication at coding nucleotides 173-176 of the OCA2 gene that results in an early termition codon 33 amino acids downstream of the frameshift introduced at serine 59 of the OCA2 protein. This variant is predicted to result in a loss of function allele through loss of OCA2 expression by nonsense mediated decay. This variant has not been previously reported to databases of clinically annotated variants, or observed in the literature in individuals with OCA2-related illness, to our knowledge. This variant is absent from the gnomAD population database (0 of ~250,000 alleles). Functiol studies testing the effect of this variant have not been performed, to our knowledge. Given the currently available evidence, we consider this variant likely pathogenic. ACMG Criteria: PM2, PVS1

Blueprint Genetics
Classification: Likely pathogenic for OCA2-related disorders. Last evaluated: 2022-02-28. Review status: criteria provided, single submitter. Criteria: ACMG Guidelines, 2015. Collection method: clinical testing. Allele origin: germline. Affected: yes. Observed: 2 variant alleles.

Literature cited by the submitters: PubMed 19865097 (cited by Labcorp Genetics (formerly Invitae), Labcorp); PubMed 21541274 (cited by Labcorp Genetics (formerly Invitae), Labcorp).

NM_000275.3(OCA2):c.173_176dup (p.Ser59fs)

Gene: OCA2 (OCA2 melanosomal transmembrane protein; minus strand). Cytogenetic location: 15q13.1.
Variant type: Microsatellite.
Coding change: c.173_176dup on transcript NM_000275.3 (MANE Select); coding-DNA positions 173 to 176, 4 bases duplicated (AGAG; older notation c.173_176dupAGAG).
Protein change: p.Ser59fs; shifts the reading frame from serine 59.
Molecular consequence: frameshift variant.
Genome position (GRCh38, 1-based): chr15:28,081,699-28,081,702, CTCT duplicated on the plus strand (AGAG on the coding strand, the reverse complement: OCA2 is on the minus strand). VCF-style (leftmost placement, unchanged base first): chr15-28081698-G-GCTCT. GRCh37 (hg19) VCF-style: chr15-28326844-G-GCTCT.
Other names: p.Ser59Argfs*33; c.173_176dup, p.Ser59fs (NM_001300984.2); short protein forms S59fs.
Identifiers: ClinVar variation 2677407 (VCV002677407.10), dbSNP rs2548671260, ClinGen allele CA2627381291.